The following is an entry in ClinVar:

ClinVar aggregate classification (germline): Uncertain significance (1 of 4 stars; one submission).

Allele frequency attached by ClinVar (database versions not stated): gnomAD exomes below 0.00001.
gnomAD v4.1: 5 of 1,597,020 alleles (0.00031%); highest among the groups gnomAD compares: Non-Finnish European, 0.00043%; no homozygotes.

Submission:

Labcorp Genetics (formerly Invitae), Labcorp
Classification: Uncertain significance. Last evaluated: 2021-04-10. Review status: criteria provided, single submitter. Criteria: Invitae Variant Classification Sherloc (09022015). Collection method: clinical testing. Allele origin: germline.
Comment: This variant is not present in population databases (ExAC no frequency). In summary, the available evidence is currently insufficient to determine the role of this variant in disease. Therefore, it has been classified as a Variant of Uncertain Significance. Algorithms developed to predict the effect of missense changes on protein structure and function are either unavailable or do not agree on the potential impact of this missense change (SIFT: "Deleterious"; PolyPhen-2: "Benign"; Align-GVGD: "Class C35"). This variant has not been reported in the literature in individuals with KIF11-related conditions. This sequence change replaces arginine with glutamine at codon 83 of the KIF11 protein (p.Arg83Gln). The arginine residue is highly conserved and there is a small physicochemical difference between arginine and glutamine.

NM_004523.4(KIF11):c.248G>A (p.Arg83Gln)

Gene: KIF11 (kinesin family member 11; plus strand). Cytogenetic location: 10q23.33.
Variant type: single nucleotide variant.
Coding change: c.248G>A on transcript NM_004523.4 (MANE Select); coding-DNA position 248, G replaced by A.
Protein change: p.Arg83Gln; replaces arginine 83 with glutamine.
Molecular consequence: missense variant.
Genome position (GRCh38, 1-based): chr10:92,606,656, G>A. VCF-style: chr10-92606656-G-A. GRCh37 (hg19) VCF-style: chr10-94366413-G-A.
Other names: short protein forms R83Q.
Identifiers: ClinVar variation 1375217 (VCV001375217.8), dbSNP rs1197340940, ClinGen allele CA377588466.